The following is an entry in ClinVar:

NM_014844.5(TECPR2):c.1605C>T (p.Asn535=)

Gene: TECPR2 (tectonin beta-propeller repeat containing 2; plus strand). Cytogenetic location: 14q32.31.
Variant type: single nucleotide variant.
Coding change: c.1605C>T on transcript NM_014844.5 (MANE Select); coding-DNA position 1605, C replaced by T.
Protein change: p.Asn535=; no amino-acid change (asparagine 535 retained).
Molecular consequence: synonymous variant.
Genome position (GRCh38, 1-based): chr14:102,434,422, C>T. VCF-style: chr14-102434422-C-T. GRCh37 (hg19) VCF-style: chr14-102900759-C-T.
Other names: c.1605C>T (NM_014844.4); c.1605C>T, p.Asn535= (NM_001172631.3).
Identifiers: ClinVar variation 698622 (VCV000698622.37), dbSNP rs145715326, ClinGen allele CA7357755.
Genomic context (GRCh38, chr14:102,434,422, plus strand): 5'-CGTGGATCAGTTAAGTGCAGAGTCTCCAGACCAGGAAAGCAGCTTCAATGGTGAAGTGAA[C>T]GGTGTCCCACAGGAAAATACTGACCCCGAAACGTTTAATGTCCTGGAGGTGTCAGGATCA-3'
Protein context (NP_055659.2, residues 525-545): DQESSFNGEV[Asn535=]GVPQENTDPE

ClinVar aggregate classification (germline): Benign/Likely benign. Review status: criteria provided, multiple submitters, no conflicts (2 of 4 stars). 5 submissions from 5 submitters: Benign (1); Likely benign (2). 2 of the submissions do not count toward it. Last evaluated 2026-01-25.

Conditions:
Hereditary spastic paraplegia 49 (HSAN9). Also called: Spastic paraplegia 49, autosomal recessive; TECPR2-Related Hereditary Sensory and Autonomic Neuropathy with Intellectual Disability; NEUROPATHY, HEREDITARY SENSORY AND AUTONOMIC, TYPE IX, WITH DEVELOPMENTAL DELAY. Identifiers: Orphanet 320385, MedGen C5190860, MONDO:0014016, OMIM 615031.
TECPR2-related disorder. Also called: TECPR2-related condition.

Allele frequency attached by ClinVar (database versions not stated): gnomAD exomes 0.00007 and 0.00025; ExAC 0.00027; gnomAD 0.00072 and 0.00080; 1000 Genomes Project 0.00080; TOPMed 0.00087; 1000 Genomes Project 30x 0.00094; ESP Exome Variant Server 0.00115.
gnomAD v4.1: 202 of 1,530,226 alleles (0.013%); highest among the groups gnomAD compares: African/African-American, 0.24%; no homozygotes.

Submissions (5):

Labcorp Genetics (formerly Invitae), Labcorp
Classification: Benign for Hereditary spastic paraplegia 49. Last evaluated: 2026-01-25. Review status: criteria provided, single submitter. Criteria: Invitae Variant Classification Sherloc (09022015). Collection method: clinical testing. Allele origin: germline.

Blueprint Genetics
Classification: Likely benign. Last evaluated: 2024-09-11. Review status: criteria provided, single submitter. Criteria: ACMG Guidelines, 2015. Collection method: clinical testing. Allele origin: germline.

CeGaT Center for Human Genetics Tuebingen
Classification: Likely benign. Last evaluated: 2023-12-01. Review status: criteria provided, single submitter. Criteria: CeGaT Center For Human Genetics Tuebingen Variant Classification Criteria Version 2. Collection method: clinical testing. Allele origin: germline. Affected: yes. Observed: 1 variant allele.
Comment: TECPR2: BP4, BP7

PreventionGenetics, part of Exact Sciences
Classification: Likely benign for TECPR2-related condition. Last evaluated: 2024-03-05. Review status: no assertion criteria provided. Collection method: clinical testing. Allele origin: germline. Not counted in ClinVar's aggregate classification.
Comment: This variant is classified as likely benign based on ACMG/AMP sequence variant interpretation guidelines (Richards et al. 2015 PMID: 25741868, with internal and published modifications).

Natera, Inc.
Classification: Likely benign for Autosomal recessive spastic paraplegia type 49. Last evaluated: 2019-10-23. Review status: no assertion criteria provided. Collection method: clinical testing. Allele origin: germline. Not counted in ClinVar's aggregate classification.